The following is an entry in ClinVar:

ClinVar aggregate classification (germline): Uncertain significance. Review status: criteria provided, multiple submitters, no conflicts (2 of 4 stars). 2 submissions from 2 submitters: Uncertain significance (2). Last evaluated 2025-07-22.

Conditions:
TTN-related disorder. Also called: TTN-related condition; TTN-related disease; TTN-related disorders.

Allele frequency attached by ClinVar (database versions not stated): gnomAD exomes below 0.00001; TOPMed 0.00003; gnomAD 0.00005; ESP Exome Variant Server 0.00008.
gnomAD v4.1: 9 of 1,613,530 alleles (0.00056%); highest among the groups gnomAD compares: African/African-American, 0.012%; no homozygotes.

Submissions (2):

PreventionGenetics, part of Exact Sciences
Classification: Uncertain significance for TTN-related condition. Last evaluated: 2025-07-22. Review status: criteria provided, single submitter. Criteria: ACMG Guidelines, 2015. Collection method: clinical testing. Allele origin: germline.
Comment: The TTN c.23429A>T variant is predicted to result in the amino acid substitution p.Asp7810Val. This variant has been reported as a variant of uncertain significance in an individual with unspecified cardiomyopathy (described as p.Asp6566Val in Online Supplementary File 2, van Lint et al. 2019. PubMed ID: 30847666). This variant is reported in 0.025% of alleles in individuals of African descent in gnomAD. At this time, the clinical significance of this variant is uncertain due to the absence of conclusive functional and genetic evidence.

CeGaT Center for Human Genetics Tuebingen
Classification: Uncertain significance. Last evaluated: 2023-12-01. Review status: criteria provided, single submitter. Criteria: CeGaT Center For Human Genetics Tuebingen Variant Classification Criteria Version 2. Collection method: clinical testing. Allele origin: germline. Affected: yes. Observed: 1 variant allele.
Comment: TTN: PM2, BP4

NM_001267550.2(TTN):c.23429A>T (p.Asp7810Val)

Gene: TTN (titin; minus strand). Cytogenetic location: 2q31.2.
Variant type: single nucleotide variant.
Coding change: c.23429A>T on transcript NM_001267550.2 (MANE Select); coding-DNA position 23429, A replaced by T.
Protein change: p.Asp7810Val; replaces aspartic acid 7810 with valine.
Molecular consequence: missense variant. On other transcripts: intron variant (3).
Genome position (GRCh38, 1-based): chr2:178,720,213, T>A on the plus strand (A>T on the coding strand, the complement: TTN is on the minus strand). VCF-style: chr2-178720213-T-A. GRCh37 (hg19) VCF-style: chr2-179584940-T-A.
Other names: c.19697A>T, p.Asp6566Val (NM_133378.4); c.13282+17869A>T (NM_003319.4); c.13858+17869A>T (NM_133437.4); c.13657+17869A>T (NM_133432.3); c.22478A>T, p.Asp7493Val (NM_001256850.1); short protein forms D6566V, D7493V, D7810V.
Identifiers: ClinVar variation 3026484 (VCV003026484.23), dbSNP rs375392021, ClinGen allele CA2000628.